The following is an entry in ClinVar:

ClinVar aggregate classification (germline): Uncertain significance. Review status: criteria provided, multiple submitters, no conflicts (2 of 4 stars). 2 submissions from 2 submitters: Uncertain significance (2). Last evaluated 2025-09-23.

Conditions:
Autosomal dominant childhood-onset proximal spinal muscular atrophy with contractures (SMALED2A). Also called: SPINAL MUSCULAR ATROPHY, LOWER EXTREMITY-PREDOMINANT, 2A, CHILDHOOD ONSET, AUTOSOMAL DOMINANT; Spinal muscular atrophy, lower extremity-predominant, 2A, autosomal dominant. Identifiers: Orphanet 363447, Orphanet 363454, MedGen C4747715, MONDO:0014121, OMIM 615290.

Allele frequency attached by ClinVar (database versions not stated): gnomAD exomes below 0.00001; TOPMed below 0.00001; ExAC 0.00001; gnomAD 0.00001.
gnomAD v4.1: 4 of 1,602,360 alleles (0.00025%); highest among the groups gnomAD compares: Admixed American, 0.0017%; no homozygotes.

Submissions (2):

GeneDx
Classification: Uncertain significance. Last evaluated: 2025-09-23. Review status: criteria provided, single submitter. Criteria: GeneDx Variant Classification Process June 2021. Collection method: clinical testing. Allele origin: germline. Affected: yes.
Comment: In silico analysis supports that this missense variant does not alter protein structure/function; Has not been previously published as pathogenic or benign to our knowledge

Labcorp Genetics (formerly Invitae), Labcorp
Classification: Uncertain significance for Autosomal dominant childhood-onset proximal spinal muscular atrophy with contractures. Last evaluated: 2023-03-30. Review status: criteria provided, single submitter. Criteria: Invitae Variant Classification Sherloc (09022015). Collection method: clinical testing. Allele origin: germline.
Comment: Advanced modeling of protein sequence and biophysical properties (such as structural, functional, and spatial information, amino acid conservation, physicochemical variation, residue mobility, and thermodynamic stability) performed at Invitae indicates that this missense variant is not expected to disrupt BICD2 protein function. In summary, the available evidence is currently insufficient to determine the role of this variant in disease. Therefore, it has been classified as a Variant of Uncertain Significance. This variant has not been reported in the literature in individuals affected with BICD2-related conditions. This variant is present in population databases (rs768293659, gnomAD 0.005%). This sequence change replaces glycine, which is neutral and non-polar, with aspartic acid, which is acidic and polar, at codon 579 of the BICD2 protein (p.Gly579Asp).

NM_001003800.2(BICD2):c.1736G>A (p.Gly579Asp)

Gene: BICD2 (BICD cargo adaptor 2; minus strand). Cytogenetic location: 9q22.31.
Variant type: single nucleotide variant.
Coding change: c.1736G>A on transcript NM_001003800.2 (MANE Select); coding-DNA position 1736, G replaced by A.
Protein change: p.Gly579Asp; replaces glycine 579 with aspartic acid.
Molecular consequence: missense variant.
Genome position (GRCh38, 1-based): chr9:92,718,909, C>T on the plus strand (G>A on the coding strand, the complement: BICD2 is on the minus strand). VCF-style: chr9-92718909-C-T. GRCh37 (hg19) VCF-style: chr9-95481191-C-T.
Other names: c.1736G>A, p.Gly579Asp (NM_015250.4); c.1736G>A (NM_001003800.1); short protein forms G579D.
Identifiers: ClinVar variation 2733559 (VCV002733559.5), dbSNP rs768293659, ClinGen allele CA5126491.
Genomic context (GRCh38, chr9:92,718,909, plus strand): 5'-TCTGCTCGGCCCGCCTCAGGAGCCAGCAGCCCCTTGGGTAGGAGGATGGGTGAGCGCCGG[C>T]CACGCGCCTCGGGGCTGGTGCGGCCCCCGGGACTGGTGCGGCCGGCCCCGCCCTGGCCCT-3'
Protein context (NP_001003800.1, residues 569-589): PGGRTSPEAR[Gly579Asp]RRSPILLPKG